The following is an entry in ClinVar:

NM_000233.4(LHCGR):c.*7C>T

Genes: STON1-GTF2A1L (STON1-GTF2A1L readthrough; plus strand), LHCGR (luteinizing hormone/choriogonadotropin receptor; minus strand). Cytogenetic location: 2p16.3.
Variant type: single nucleotide variant.
Coding change: c.*7C>T on transcript NM_000233.4 (MANE Select); 7 bases downstream of the stop codon, C replaced by T.
Molecular consequence: 3 prime UTR variant. On other transcripts: intron variant (1).
Genome position (GRCh38, 1-based): chr2:48,687,690, G>A on the plus strand (C>T on the coding strand, the complement: LHCGR is on the minus strand). VCF-style: chr2-48687690-G-A. GRCh37 (hg19) VCF-style: chr2-48914829-G-A.
Other names: c.3441+16010G>A (NM_001198593.2).
Identifiers: ClinVar variation 336457 (VCV000336457.6), dbSNP rs200256443, ClinGen allele CA1652921.

ClinVar aggregate classification (germline): Conflicting classifications of pathogenicity. Review status: criteria provided, conflicting classifications (1 of 4 stars). 2 submissions from 1 submitter: Uncertain significance (1); Benign (1). Last evaluated 2018-01-12.

Conditions:
Leydig cell agenesis. Also called: LEYDIG CELL HYPOPLASIA WITH MALE PSEUDOHERMAPHRODITISM; LEYDIG CELL HYPOPLASIA, COMPLETE; HYPERGONADOTROPIC HYPOGONADISM, MALE, DUE TO LHCGR DEFECT; Leydig cell hypoplasia, type 1. Identifiers: MedGen C0266432, MONDO:0009384, OMIM 238320.
Gonadotropin-independent familial sexual precocity. Also called: TESTOTOXICOSIS, FAMILIAL; Familial male-limited precocious puberty. Identifiers: Orphanet 3000, MedGen C0342549, MONDO:0008303, OMIM 176410.

Allele frequency attached by ClinVar (database versions not stated): ESP Exome Variant Server 0.00008; 1000 Genomes Project 30x 0.00016; 1000 Genomes Project 0.00020; gnomAD 0.00026 and 0.00029; TOPMed 0.00029.

Submissions (2):

Illumina Laboratory Services, Illumina
Classification: Uncertain significance for Leydig cell agenesis. Last evaluated: 2018-01-12. Review status: criteria provided, single submitter. Criteria: ICSL Variant Classification Criteria 13 December 2019. Collection method: clinical testing. Allele origin: germline.

Illumina Laboratory Services, Illumina
Classification: Benign for Gonadotropin-independent familial sexual precocity. Last evaluated: 2018-01-12. Review status: criteria provided, single submitter. Criteria: ICSL Variant Classification Criteria 13 December 2019. Collection method: clinical testing. Allele origin: germline.
Comment: This variant was observed in the ICSL laboratory as part of a predisposition screen in an ostensibly healthy population. It had not been previously curated by ICSL or reported in the Human Gene Mutation Database (HGMD: prior to June 1st, 2018), and was therefore a candidate for classification through an automated scoring system. Utilizing variant allele frequency, disease prevalence and penetrance estimates, and inheritance mode, an automated score was calculated to assess if this variant is too frequent to cause the disease. Based on the score and internal cut-off values, a variant classified as benign is not then subjected to further curation. The score for this variant resulted in a classification of benign for this disease.